The following is an entry in ClinVar:

ClinVar aggregate classification (germline): Uncertain significance. Review status: criteria provided, single submitter (1 of 4 stars). 2 submissions from 1 submitter: Uncertain significance (1). 1 of the submissions does not count toward it. Last evaluated 2013-02-01.

Conditions:
Primary dilated cardiomyopathy (DCM). Also called: Dilated Cardiomyopathy. Identifiers: Orphanet 217604, MedGen C0007193, MeSH D002311, MONDO:0005021, HP:0001644. Inheritance: Various modes of inheritance.
Congenital myopathy with fiber type disproportion. Also called: Congenital fiber-type disproportion; Congenital fiber-type disproportion myopathy. Identifiers: Orphanet 2020, MedGen C0546264, MONDO:0009711. Inheritance: all.

Submissions (2):

Harry Perkins Institute Of Medical Research, University Of Western Australia
Classification: Uncertain significance for Congenital fiber type disproportion. Last evaluated: 2013-02-01. Review status: criteria provided, single submitter. Criteria: ACMG Guidelines, 2015. Collection method: clinical testing. Allele origin: unknown. Affected: yes. Observed: 1 variant allele.

Harry Perkins Institute Of Medical Research, University Of Western Australia
Classification: Likely pathogenic for Dilated cardiomyopathy. Last evaluated: 2020-08-03. Review status: flagged submission. Criteria: ACMG Guidelines, 2015. Collection method: literature only. Allele origin: unknown. Affected: yes. Observed: 1 variant allele. Not counted in ClinVar's aggregate classification.
ClinVar note: Notes: The cited publication states the variant is VUS and there is also insufficient evidence for the ACTA1 gene's role in isolated DCM
ClinVar note: Reason: Claim with insufficient supporting evidence

Literature cited by the submitters: PubMed 32746448.

NM_001100.4(ACTA1):c.880G>T (p.Asp294Tyr)

Gene: ACTA1 (actin alpha 1, skeletal muscle; minus strand). Cytogenetic location: 1q42.13.
Variant type: single nucleotide variant.
Coding change: c.880G>T on transcript NM_001100.4 (MANE Select); coding-DNA position 880, G replaced by T.
Protein change: p.Asp294Tyr; replaces aspartic acid 294 with tyrosine.
Molecular consequence: missense variant.
Genome position (GRCh38, 1-based): chr1:229,431,831, C>A on the plus strand (G>T on the coding strand, the complement: ACTA1 is on the minus strand). VCF-style: chr1-229431831-C-A. GRCh37 (hg19) VCF-style: chr1-229567578-C-A.
Other names: short protein forms D294Y.
Identifiers: ClinVar variation 2582794 (VCV002582794.1), dbSNP rs2527436268, ClinGen allele CA345145886.
Genomic context (GRCh38, chr1:229,431,831, plus strand): 5'-GGTCAGCGATCCCAGGGTACATCGTGGTGCCCCCCGACATGACGTTGTTGGCATACAGGT[C>A]CTTCCTGATGTCGATGTCACACTTCATGATGCTGTTGTAGGTGGTCTCGTGAATGCCCGC-3'
Protein context (NP_001091.1, residues 284-304): IMKCDIDIRK[Asp294Tyr]LYANNVMSGG